The following is an entry in ClinVar:

ClinVar aggregate classification (germline): Likely pathogenic (1 of 4 stars; one submission).

Conditions:
Hyperornithinemia-hyperammonemia-homocitrullinuria syndrome (HHHS). Also called: HHH SYNDROME; Ornithine translocase deficiency. Identifiers: Orphanet 415, MedGen C0268540, MONDO:0009393, OMIM 238970.

Submission:

Natera, Inc.
Classification: Likely pathogenic for Hyperornithinemia-hyperammonemia-homocitrullinuria syndrome. Last evaluated: 2025-05-02. Review status: criteria provided, single submitter. Criteria: Natera Variant Classification Schema (03/2026). Collection method: clinical testing. Allele origin: germline.
Comment: The c.336del variant in SLC25A15 is a frameshift variant predicted to shift the reading frame beginning at codon 113 and leads to a stop codon 18 codons downstream. This variant is expected to result in nonsense mediated decay, truncation, or a dysfunctional protein product. This variant is rare in the general population with a frequency below the threshold expected for the associated phenotype(s). Given the available evidence, this variant is classified as Likely Pathogenic.

NM_014252.4(SLC25A15):c.336del (p.Gly113fs)

Gene: SLC25A15 (solute carrier family 25 member 15; plus strand). Cytogenetic location: 13q14.11.
Variant type: Deletion.
Coding change: c.336del on transcript NM_014252.4 (MANE Select); coding-DNA position 336, one base deleted (C; older notation c.336delC).
Protein change: p.Gly113fs; shifts the reading frame from glycine 113.
Molecular consequence: frameshift variant.
Genome position (GRCh38, 1-based): chr13:40,805,139, C deleted; the last of 2 consecutive C bases (chr13:40,805,138-40,805,139); deleting either gives the same sequence. VCF-style (leftmost placement, unchanged base first): chr13-40805137-GC-G. GRCh37 (hg19) VCF-style: chr13-41379273-GC-G.
Other names: short protein forms G113fs.
Identifiers: ClinVar variation 4061588 (VCV004061588.2).